The following is an entry in ClinVar:

ClinVar aggregate classification (germline): Conflicting classifications of pathogenicity. Review status: criteria provided, conflicting classifications (1 of 4 stars). 2 submissions from 2 submitters: Likely pathogenic (1); Uncertain significance (1). Last evaluated 2026-08-06.

Submissions (2):

OLLIN Analises Genomicas, OLLIN
Classification: Likely pathogenic. Last evaluated: 2026-08-06. Review status: criteria provided, single submitter. Criteria: ACMG Guidelines 2015 PMID 25741868. Collection method: clinical testing. Allele origin: germline.
Comment: This frameshift variant, located in exon 19 (of 64), has been observed in gnomAD with an allele frequency of 0.000063%, but has not been reported in ClinVar or identified in the literature. This variant causes a frameshift and introduces a premature stop codon, which is predicted to result in either a truncated protein or degradation of the mRNA via nonsense-mediated decay (NMD). According to the currently available evidence, this variant has been classified as likely pathogenic (PVS1, PM2_P).

Blueprint Genetics
Classification: Uncertain significance. Last evaluated: 2023-01-26. Review status: criteria provided, single submitter. Criteria: ACMG Guidelines, 2015. Collection method: clinical testing. Allele origin: germline.

NC_000004.12:g.48586729dup

Gene: FRYL (FRY like transcription coactivator; minus strand). Cytogenetic location: 4p11.
Variant type: Duplication.
Genome position: GRCh38 VCF-style: chr4-48586723-T-TC. GRCh37 (hg19) VCF-style: chr4-48588740-T-TC.
Identifiers: ClinVar variation 4967167 (VCV004967167.2).